The following is an entry in ClinVar:

ClinVar aggregate classification (germline): Pathogenic (1 of 4 stars; one submission).

Conditions:
Primary ciliary dyskinesia 3. Identifiers: Orphanet 244, MedGen C1837618, MONDO:0012085, OMIM 608644.

Submission:

Myriad Genetics, Inc.
Classification: Pathogenic for Primary ciliary dyskinesia 3. Last evaluated: 2024-05-14. Review status: criteria provided, single submitter. Criteria: Myriad Autosomal Dominant, Autosomal Recessive and X-Linked Classification Criteria (2023). Collection method: clinical testing. Allele origin: unknown.
Comment: NM_001369.2(DNAH5):c.11518_11519delTAinsCAC(Y3840Hfs*13) is expected to be pathogenic in the context of primary ciliary dyskinesia, DNAH5-related. This variant is predicted to lead to an abnormal or absent protein product due to the creation of a premature termination codon in DNAH5, a gene where loss-of-function variants are known to be pathogenic. Please note: this variant was assessed in the context of healthy population screening.

NM_001369.3(DNAH5):c.11518_11519delinsCAC (p.Tyr3840fs)

Gene: DNAH5 (dynein axonemal heavy chain 5; minus strand). Cytogenetic location: 5p15.2.
Variant type: Indel.
Coding change: c.11518_11519delinsCAC on transcript NM_001369.3 (MANE Select); coding-DNA positions 11518 to 11519, TA replaced by CAC.
Protein change: p.Tyr3840fs; shifts the reading frame from tyrosine 3840.
Molecular consequence: frameshift variant.
Genome position (GRCh38, 1-based): chr5:13,735,869-13,735,870, TA replaced by GTG on the plus strand (TA replaced by CAC on the coding strand, the reverse complement: DNAH5 is on the minus strand). VCF-style: chr5-13735869-TA-GTG. GRCh37 (hg19) VCF-style: chr5-13735978-TA-GTG.
Other names: short protein forms Y3840fs.
Identifiers: ClinVar variation 5010445 (VCV005010445.1).
Genomic context (GRCh38, chr5:13,735,869, plus strand): 5'-CAGACGTACCTGGCTAAGGAAAGGTCAAATAAGCCCAGAAACTGGCGAAGCGAAGTCTGA[TA>GTG]CATCTCATTAACCAAGCGCATCTCAGTAATGAGGAAGTAGAGGATGCTGCCCCGCGTAGC-3'